The following is an entry in ClinVar:

NM_000601.6(HGF):c.137C>T (p.Ala46Val)

Gene: HGF (hepatocyte growth factor; minus strand). Cytogenetic location: 7q21.11.
Variant type: single nucleotide variant.
Coding change: c.137C>T on transcript NM_000601.6 (MANE Select); coding-DNA position 137, C replaced by T.
Protein change: p.Ala46Val; replaces alanine 46 with valine.
Molecular consequence: missense variant.
Genome position (GRCh38, 1-based): chr7:81,762,824, G>A on the plus strand (C>T on the coding strand, the complement: HGF is on the minus strand). VCF-style: chr7-81762824-G-A. GRCh37 (hg19) VCF-style: chr7-81392140-G-A.
Other names: c.137C>T, p.Ala46Val (NM_001010931.3, NM_001010932.3, NM_001010933.3 and 1 more transcripts); short protein forms A46V.
Identifiers: ClinVar variation 360784 (VCV000360784.23), dbSNP rs150267054, ClinGen allele CA4317268.

ClinVar aggregate classification (germline): Benign/Likely benign. Review status: criteria provided, multiple submitters, no conflicts (2 of 4 stars). 6 submissions from 6 submitters: Benign (1); Likely benign (3). 2 of the submissions do not count toward it. Last evaluated 2025-12-20.

Conditions:
HGF-related disorder. Also called: HGF-related condition.

Allele frequency attached by ClinVar (database versions not stated): 1000 Genomes Project 0.00060; 1000 Genomes Project 30x 0.00062; gnomAD 0.00134 and 0.00139; TOPMed 0.00139; ESP Exome Variant Server 0.00161; gnomAD exomes 0.00178; ExAC 0.00184.
gnomAD v4.1: 2,834 of 1,596,858 alleles (0.18%); highest among the groups gnomAD compares: Non-Finnish European, 0.2%; 4 homozygotes.

Submissions (6):

Labcorp Genetics (formerly Invitae), Labcorp
Classification: Likely benign. Last evaluated: 2025-12-20. Review status: criteria provided, single submitter. Criteria: Invitae Variant Classification Sherloc (09022015). Collection method: clinical testing. Allele origin: germline.

Blueprint Genetics
Classification: Likely benign. Last evaluated: 2024-11-11. Review status: criteria provided, single submitter. Criteria: ACMG Guidelines, 2015. Collection method: clinical testing. Allele origin: germline.

GeneDx
Classification: Benign. Last evaluated: 2018-12-06. Review status: criteria provided, single submitter. Criteria: GeneDx Variant Classification Process June 2021. Collection method: clinical testing. Allele origin: germline. Affected: yes.
Comment: This variant is associated with the following publications: (PMID: 29924831)

Laboratory for Molecular Medicine, Mass General Brigham Personalized Medicine
Classification: Likely benign. Last evaluated: 2016-06-30. Review status: criteria provided, single submitter. Criteria: LMM Criteria. Collection method: clinical testing. Allele origin: germline. Observed: 2 variant alleles.
Comment: p.Ala46Val in exon 2 of HGF: This variant is not expected to have clinical signi ficance because it has been identified in 0.3% (196/64768) of European chromosom es by the Exome Aggregation Consortium (ExAC; db SNP rs150267054).

PreventionGenetics, part of Exact Sciences
Classification: Likely benign for HGF-related condition. Last evaluated: 2019-07-11. Review status: no assertion criteria provided. Collection method: clinical testing. Allele origin: germline. Not counted in ClinVar's aggregate classification.
Comment: This variant is classified as likely benign based on ACMG/AMP sequence variant interpretation guidelines (Richards et al. 2015 PMID: 25741868, with internal and published modifications).

Department of Pathology and Laboratory Medicine, Sinai Health System
Classification: Uncertain significance. Review status: no assertion criteria provided. Collection method: clinical testing. Allele origin: unknown. Affected: yes. Study: The Canadian Open Genetics Repository (COGR). Not counted in ClinVar's aggregate classification.
Comment: The HGF p.Ala46Val variant was not identified in the literature nor was it identified in Cosmic. The variant was identified in dbSNP (ID: rs150267054), ClinVar (classified as a VUS by Illumina for Nonsyndromic Hearing Loss, Mixed and as likely benign by Laboratory for Molecular Medicine) and LOVD 3.0 (classified as a VUS and likely benign). The variant was also identified in control databases in 482 of 282092 chromosomes at a frequency of 0.001709 increasing the likelihood this could be a low frequency benign variant (Genome Aggregation Database Feb 27, 2017). The variant was observed in the following populations: Ashkenazi Jewish in 53 of 10362 chromosomes (freq: 0.005115), European (Finnish) in 66 of 25094 chromosomes (freq: 0.00263), European (non-Finnish) in 320 of 128720 chromosomes (freq: 0.002486), Other in 5 of 7206 chromosomes (freq: 0.000694), Latino in 22 of 35338 chromosomes (freq: 0.000623), South Asian in 10 of 30548 chromosomes (freq: 0.000327) and African in 6 of 24922 chromosomes (freq: 0.000241) but was not observed in the East Asian population. The p.Ala46 residue is conserved in mammals but not in more distantly related organisms however computational analyses (PolyPhen-2, SIFT, AlignGVGD, BLOSUM, MutationTaster) do not suggest a high likelihood of impact to the protein; this information is not predictive enough to rule out pathogenicity. The variant occurs outside of the splicing consensus sequence and in silico or computational prediction software programs (SpliceSiteFinder, MaxEntScan, NNSPLICE, GeneSplicer) do not predict a difference in splicing. In summary, based on the above information the clinical significance of this variant cannot be determined with certainty at this time. This variant is classified as a variant of uncertain significance.